The following is an entry in ClinVar:

NM_001113378.2(FANCI):c.2326A>G (p.Met776Val)

Gene: FANCI (FA complementation group I; plus strand). Cytogenetic location: 15q26.1.
Variant type: single nucleotide variant.
Coding change: c.2326A>G on transcript NM_001113378.2 (MANE Select); coding-DNA position 2326, A replaced by G.
Protein change: p.Met776Val; replaces methionine 776 with valine.
Molecular consequence: missense variant.
Genome position (GRCh38, 1-based): chr15:89,293,867, A>G. VCF-style: chr15-89293867-A-G. GRCh37 (hg19) VCF-style: chr15-89837098-A-G.
Other names: c.2047A>G, p.Met683Val (NM_001376910.1); c.2326A>G, p.Met776Val (NM_001376911.1, NM_018193.3); short protein forms M776V, M683V.
Identifiers: ClinVar variation 452060 (VCV000452060.18), dbSNP rs150544323, ClinGen allele CA7723354.

ClinVar aggregate classification (germline): Uncertain significance. Review status: criteria provided, multiple submitters, no conflicts (2 of 4 stars). 6 submissions from 6 submitters: Uncertain significance (6). Last evaluated 2025-01-15.

Conditions:
Fanconi anemia (FA). Also called: Fanconi's anemia. Identifiers: Orphanet 84, MedGen C0015625, MeSH D005199, MONDO:0019391.
Fanconi anemia complementation group I (FANCI). Also called: FANCI-Related Fanconi Anemia. Identifiers: Orphanet 84, MedGen C1836861, MONDO:0012186, OMIM 609053.

Allele frequency attached by ClinVar (database versions not stated): gnomAD exomes 0.00004 and 0.00012; ExAC 0.00015; 1000 Genomes Project 30x 0.00031; ESP Exome Variant Server 0.00031; 1000 Genomes Project 0.00040; gnomAD 0.00041 and 0.00043; TOPMed 0.00054.
gnomAD v4.1: 120 of 1,614,084 alleles (0.0074%); highest among the groups gnomAD compares: African/African-American, 0.14%; 1 homozygote.

Submissions (6):

Women's Health and Genetics/Laboratory Corporation of America, LabCorp
Classification: Uncertain significance. Last evaluated: 2025-01-15. Review status: criteria provided, single submitter. Criteria: LabCorp Variant Classification Summary - May 2015. Collection method: clinical testing. Allele origin: germline.
Comment: Variant summary: FANCI c.2326A>G (p.Met776Val) results in a conservative amino acid change in the encoded protein sequence. Five of five in-silico tools predict a benign effect of the variant on protein function. The variant allele was found at a frequency of 0.00012 in 251396 control chromosomes. This frequency is not significantly higher than estimated for a pathogenic variant in FANCI causing Fanconi Anemia (0.00012 vs 0.00028), allowing no conclusion about variant significance. To our knowledge, no occurrence of c.2326A>G in individuals affected with Fanconi Anemia and no experimental evidence demonstrating its impact on protein function have been reported. ClinVar contains an entry for this variant (Variation ID: 452060). Based on the evidence outlined above, the variant was classified as uncertain significance.

Labcorp Genetics (formerly Invitae), Labcorp
Classification: Uncertain significance for Fanconi anemia. Last evaluated: 2025-01-08. Review status: criteria provided, single submitter. Criteria: Invitae Variant Classification Sherloc (09022015). Collection method: clinical testing. Allele origin: germline.
Comment: This sequence change replaces methionine, which is neutral and non-polar, with valine, which is neutral and non-polar, at codon 776 of the FANCI protein (p.Met776Val). This variant is present in population databases (rs150544323, gnomAD 0.1%). This variant has not been reported in the literature in individuals affected with FANCI-related conditions. ClinVar contains an entry for this variant (Variation ID: 452060). Invitae Evidence Modeling of protein sequence and biophysical properties (such as structural, functional, and spatial information, amino acid conservation, physicochemical variation, residue mobility, and thermodynamic stability) indicates that this missense variant is not expected to disrupt FANCI protein function with a negative predictive value of 80%. In summary, the available evidence is currently insufficient to determine the role of this variant in disease. Therefore, it has been classified as a Variant of Uncertain Significance.

Blueprint Genetics
Classification: Uncertain significance. Last evaluated: 2023-03-08. Review status: criteria provided, single submitter. Criteria: ACMG Guidelines, 2015. Collection method: clinical testing. Allele origin: germline.

GeneDx
Classification: Uncertain significance. Last evaluated: 2022-04-18. Review status: criteria provided, single submitter. Criteria: GeneDx Variant Classification Process June 2021. Collection method: clinical testing. Allele origin: germline. Affected: yes.
Comment: In silico analysis supports that this missense variant does not alter protein structure/function; Has not been previously published as pathogenic or benign to our knowledge

Fulgent Genetics
Classification: Uncertain significance for Fanconi anemia complementation group I. Last evaluated: 2022-02-09. Review status: criteria provided, single submitter. Criteria: ACMG Guidelines, 2015. Collection method: clinical testing. Allele origin: unknown.

Genetic Services Laboratory, University of Chicago
Classification: Uncertain significance. Last evaluated: 2019-09-12. Review status: criteria provided, single submitter. Criteria: ACMG Guidelines, 2015. Collection method: clinical testing. Allele origin: germline. Affected: no.